The following is an entry in ClinVar:

NM_181523.3(PIK3R1):c.1986-3T>C

Gene: PIK3R1 (phosphoinositide-3-kinase regulatory subunit 1; plus strand). Cytogenetic location: 5q13.1.
Variant type: single nucleotide variant.
Coding change: c.1986-3T>C on transcript NM_181523.3 (MANE Select); 3 bases into the intron before coding-DNA position 1986, T replaced by C.
Molecular consequence: intron variant.
Genome position (GRCh38, 1-based): chr5:68,297,409, T>C. VCF-style: chr5-68297409-T-C. GRCh37 (hg19) VCF-style: chr5-67593237-T-C.
Other names: c.1086-3T>C (NM_181524.2); c.1176-3T>C (NM_181504.4); c.897-3T>C (NM_001242466.2).
Identifiers: ClinVar variation 4786110 (VCV004786110.1).

ClinVar aggregate classification (germline): Uncertain significance (1 of 4 stars; one submission).

Conditions:
Agammaglobulinemia 7, autosomal recessive (AGM7). Also called: AGAMMAGLOBULINEMIA, AUTOSOMAL RECESSIVE, DUE TO PIK3R1 DEFECT. Identifiers: MedGen C3554689, MONDO:0014083, OMIM 615214.
SHORT syndrome. Also called: SHORT STATURE, HYPEREXTENSIBILITY, HERNIA, OCULAR DEPRESSION, RIEGER ANOMALY, AND TEETHING DELAY; LIPODYSTROPHY, PARTIAL, WITH RIEGER ANOMALY AND SHORT STATURE; PIK3R1-Related SHORT Syndrome. Identifiers: Orphanet 3163, MedGen C0878684, MONDO:0010026, OMIM 269880.
Immunodeficiency 36 with lymphoproliferation. Also called: Immunodeficiency 36; Activated PI3K Delta Syndrome Type 2 (APDS2); ACTIVATED PI3K-DELTA SYNDROME 2. Identifiers: Orphanet 397596, Orphanet 693681, MedGen C4014934, MONDO:0014453, OMIM 616005.

Submission:

Labcorp Genetics (formerly Invitae), Labcorp
Classification: Uncertain significance for SHORT syndrome; Immunodeficiency 36 with lymphoproliferation; Agammaglobulinemia 7, autosomal recessive. Last evaluated: 2025-09-10. Review status: criteria provided, single submitter. Criteria: Invitae Variant Classification Sherloc (09022015). Collection method: clinical testing. Allele origin: germline.
Comment: This sequence change falls in intron 15 of the PIK3R1 gene. It does not directly change the encoded amino acid sequence of the PIK3R1 protein. It affects a nucleotide within the consensus splice site. This variant is not present in population databases (gnomAD no frequency). This variant has not been reported in the literature in individuals affected with PIK3R1-related conditions. Variants that disrupt the consensus splice site are a relatively common cause of aberrant splicing (PMID: 17576681, 9536098). Algorithms developed to predict the effect of sequence changes on RNA splicing suggest that this variant is not likely to affect RNA splicing. In summary, the available evidence is currently insufficient to determine the role of this variant in disease. Therefore, it has been classified as a Variant of Uncertain Significance.

Literature cited by the submitters: PubMed 17576681; PubMed 9536098.